The following is an entry in ClinVar:

NM_152443.3(RDH12):c.795C>A (p.Ser265Arg)

Genes: GPHN (gephyrin; plus strand), RDH12 (retinol dehydrogenase 12; plus strand), ZFYVE26 (zinc finger FYVE-type containing 26; minus strand). Cytogenetic location: 14q24.1.
Variant type: single nucleotide variant.
Coding change: c.795C>A on transcript NM_152443.3 (MANE Select); coding-DNA position 795, C replaced by A.
Protein change: p.Ser265Arg; replaces serine 265 with arginine.
Molecular consequence: missense variant.
Genome position (GRCh38, 1-based): chr14:67,729,327, C>A. VCF-style: chr14-67729327-C-A. GRCh37 (hg19) VCF-style: chr14-68196044-C-A.
Other names: short protein forms S265R.
Identifiers: ClinVar variation 4813551 (VCV004813551.1).

ClinVar aggregate classification (germline): Uncertain significance (1 of 4 stars; one submission).

Conditions:
Retinal dystrophy. Also called: Inherited retinal dystrophy. Identifiers: Orphanet 71862, MedGen C0854723, MeSH D058499, MONDO:0019118, HP:0000556.

Submission:

Mendelics
Classification: Uncertain significance for Retinal dystrophy. Last evaluated: 2026-03-05. Review status: criteria provided, single submitter. Criteria: ACMG Guidelines, 2015. Collection method: clinical testing. Allele origin: unknown.
Comment: The available evidence is insufficient to conclusively determine the role of this variant. Therefore, it is classified as a Variant of Uncertain Significance.